The following is an entry in ClinVar:

NM_000255.4(MMUT):c.1519A>G (p.Asn507Asp)

Gene: MMUT (methylmalonyl-CoA mutase; minus strand). Cytogenetic location: 6p12.3.
Variant type: single nucleotide variant.
Coding change: c.1519A>G on transcript NM_000255.4 (MANE Select); coding-DNA position 1519, A replaced by G.
Protein change: p.Asn507Asp; replaces asparagine 507 with aspartic acid.
Molecular consequence: missense variant.
Genome position (GRCh38, 1-based): chr6:49,447,711, T>C on the plus strand (A>G on the coding strand, the complement: MMUT is on the minus strand). VCF-style: chr6-49447711-T-C. GRCh37 (hg19) VCF-style: chr6-49415424-T-C.
Other names: short protein forms N507D.
Identifiers: ClinVar variation 910561 (VCV000910561.6), dbSNP rs769270504, ClinGen allele CA3846856.

ClinVar aggregate classification (germline): Uncertain significance. Review status: criteria provided, multiple submitters, no conflicts (2 of 4 stars). 2 submissions from 2 submitters: Uncertain significance (2). Last evaluated 2025-01-08.

Conditions:
Methylmalonic aciduria due to methylmalonyl-CoA mutase deficiency (MAMM). Also called: Methylmalonic aciduria, mut type. Identifiers: Orphanet 27, MedGen C1855114, MONDO:0009612, OMIM 251000.

Allele frequency attached by ClinVar (database versions not stated): gnomAD 0.00001 and 0.00002; ExAC 0.00002; gnomAD exomes 0.00002; TOPMed 0.00004.
gnomAD v4.1: 24 of 1,611,936 alleles (0.0015%); highest among the groups gnomAD compares: Admixed American, 0.005%; no homozygotes.

Submissions (2):

Labcorp Genetics (formerly Invitae), Labcorp
Classification: Uncertain significance. Last evaluated: 2025-01-08. Review status: criteria provided, single submitter. Criteria: Invitae Variant Classification Sherloc (09022015). Collection method: clinical testing. Allele origin: germline.
Comment: This sequence change replaces asparagine, which is neutral and polar, with aspartic acid, which is acidic and polar, at codon 507 of the MUT protein (p.Asn507Asp). This variant is present in population databases (rs769270504, gnomAD 0.006%). This variant has not been reported in the literature in individuals affected with MUT-related conditions. ClinVar contains an entry for this variant (Variation ID: 910561). Invitae Evidence Modeling of protein sequence and biophysical properties (such as structural, functional, and spatial information, amino acid conservation, physicochemical variation, residue mobility, and thermodynamic stability) has been performed for this missense variant. However, the output from this modeling did not meet the statistical confidence thresholds required to predict the impact of this variant on MUT protein function. In summary, the available evidence is currently insufficient to determine the role of this variant in disease. Therefore, it has been classified as a Variant of Uncertain Significance.

Illumina Laboratory Services, Illumina
Classification: Uncertain significance for Methylmalonic aciduria due to methylmalonyl-CoA mutase deficiency. Last evaluated: 2018-01-13. Review status: criteria provided, single submitter. Criteria: ICSL Variant Classification Criteria 13 December 2019. Collection method: clinical testing. Allele origin: germline.